The following is an entry in ClinVar:

ClinVar aggregate classification (germline): Uncertain significance. Review status: criteria provided, multiple submitters, no conflicts (2 of 4 stars). 2 submissions from 2 submitters: Uncertain significance (2). Last evaluated 2025-05-19.

Conditions:
TNF receptor-associated periodic fever syndrome (TRAPS) (FPF). Also called: FAMILIAL HIBERNIAN FEVER; TNF RECEPTOR-ASSOCIATED PERIODIC SYNDROME; TUMOR NECROSIS FACTOR RECEPTOR-ASSOCIATED PERIODIC SYNDROME; Autosomal Dominant Familial Periodic Fever; TNF Receptor-Associated Periodic Fever Syndrome; TNF receptor 1-associated periodic fever syndrome. Identifiers: Orphanet 32960, MedGen C1275126, MONDO:0007727, OMIM 142680.

Allele frequency attached by ClinVar (database versions not stated): gnomAD exomes below 0.00001.
gnomAD v4.1: 4 of 1,594,734 alleles (0.00025%); highest among the groups gnomAD compares: Non-Finnish European, 0.00034%; no homozygotes.

Submissions (2):

Labcorp Genetics (formerly Invitae), Labcorp
Classification: Uncertain significance for TNF receptor-associated periodic fever syndrome (TRAPS). Last evaluated: 2025-05-19. Review status: criteria provided, single submitter. Criteria: Invitae Variant Classification Sherloc (09022015). Collection method: clinical testing. Allele origin: germline.
Comment: This sequence change replaces arginine, which is basic and polar, with serine, which is neutral and polar, at codon 394 of the TNFRSF1A protein (p.Arg394Ser). The frequency data for this variant in the population databases is considered unreliable, as metrics indicate poor data quality at this position in the gnomAD database. This variant has not been reported in the literature in individuals affected with TNFRSF1A-related conditions. ClinVar contains an entry for this variant (Variation ID: 2642611). Invitae Evidence Modeling of protein sequence and biophysical properties (such as structural, functional, and spatial information, amino acid conservation, physicochemical variation, residue mobility, and thermodynamic stability) has been performed for this missense variant. However, the output from this modeling did not meet the statistical confidence thresholds required to predict the impact of this variant on TNFRSF1A protein function. In summary, the available evidence is currently insufficient to determine the role of this variant in disease. Therefore, it has been classified as a Variant of Uncertain Significance.

CeGaT Center for Human Genetics Tuebingen
Classification: Uncertain significance. Last evaluated: 2023-10-01. Review status: criteria provided, single submitter. Criteria: CeGaT Center For Human Genetics Tuebingen Variant Classification Criteria Version 2. Collection method: clinical testing. Allele origin: germline. Affected: yes. Observed: 1 variant allele.
Comment: TNFRSF1A: PM2

NM_001065.4(TNFRSF1A):c.1180C>A (p.Arg394Ser)

Gene: TNFRSF1A (TNF receptor superfamily member 1A; minus strand). Cytogenetic location: 12p13.31.
Variant type: single nucleotide variant.
Coding change: c.1180C>A on transcript NM_001065.4 (MANE Select); coding-DNA position 1180, C replaced by A.
Protein change: p.Arg394Ser; replaces arginine 394 with serine.
Molecular consequence: missense variant. On other transcripts: non-coding transcript variant (1).
Genome position (GRCh38, 1-based): chr12:6,329,500, G>T on the plus strand (C>A on the coding strand, the complement: TNFRSF1A is on the minus strand). VCF-style: chr12-6329500-G-T. GRCh37 (hg19) VCF-style: chr12-6438666-G-T.
Other names: c.856C>A, p.Arg286Ser (NM_001346091.2); c.721C>A, p.Arg241Ser (NM_001346092.2); short protein forms R241S, R286S, R394S.
Identifiers: ClinVar variation 2642611 (VCV002642611.27), dbSNP rs1325524870, ClinGen allele CA383545001.
Genomic context (GRCh38, chr12:6,329,500, plus strand): 5'-GCCGCGGCGTGCGCCGCCTCCAGGTCGCCAGCATGCTGTATTGCGCCTCGCGCAGGCAGC[G>T]CCCGTTCTGCAGCTCCAGCCGATCGATCTCGTGGTCGCTCAGCCCTAGGCGCCGCACGAA-3'
Protein context (NP_001056.1, residues 384-404): EIDRLELQNG[Arg394Ser]CLREAQYSML